The following is an entry in ClinVar:

NM_016222.4(DDX41):c.1594G>T (p.Ala532Ser)

Gene: DDX41 (DEAD-box helicase 41; minus strand). Cytogenetic location: 5q35.3.
Variant type: single nucleotide variant.
Coding change: c.1594G>T on transcript NM_016222.4 (MANE Select); coding-DNA position 1594, G replaced by T.
Protein change: p.Ala532Ser; replaces alanine 532 with serine.
Molecular consequence: missense variant.
Genome position (GRCh38, 1-based): chr5:177,512,349, C>A on the plus strand (G>T on the coding strand, the complement: DDX41 is on the minus strand). VCF-style: chr5-177512349-C-A. GRCh37 (hg19) VCF-style: chr5-176939350-C-A.
Other names: c.1216G>T, p.Ala406Ser (NM_001321732.2, NM_001321830.2); short protein forms A532S, A406S.
Identifiers: ClinVar variation 4617191 (VCV004617191.1).
Genomic context (GRCh38, chr5:177,512,349, plus strand): 5'-GAACAGCTAAGGTGGCGCTGGTAACAGACTCACCACACGCTTTGTTGATGAAGGTAGTGG[C>A]GATGCCTGTGTTTCCCGAGCGCCCGGTGCGGCCAATCCGGTGTACTGCAGAGAGAAGGAC-3'
Protein context (NP_057306.2, residues 522-542): RTGRSGNTGI[Ala532Ser]TTFINKACDE

ClinVar aggregate classification (germline): Uncertain significance (1 of 4 stars; one submission).

Conditions:
Inborn genetic diseases. Identifiers: MedGen C0950123, MeSH D030342.

Submission:

Ambry Genetics
Classification: Uncertain significance for Inborn genetic diseases. Last evaluated: 2025-11-12. Review status: criteria provided, single submitter. Criteria: Ambry Variant Classification Scheme 2023. Collection method: clinical testing. Allele origin: germline.
Comment: The p.A532S variant (also known as c.1594G>T), located in coding exon 15 of the DDX41 gene, results from a G to T substitution at nucleotide position 1594. The alanine at codon 532 is replaced by serine, an amino acid with similar properties. This amino acid position is conserved. In addition, this alteration is predicted to be deleterious by in silico analysis. Based on the available evidence, the clinical significance of this variant remains unclear.